The following is an entry in ClinVar:

NM_000127.3(EXT1):c.1186A>G (p.Ile396Val)

Gene: EXT1 (exostosin glycosyltransferase 1; minus strand). Cytogenetic location: 8q24.11.
Variant type: single nucleotide variant.
Coding change: c.1186A>G on transcript NM_000127.3 (MANE Select); coding-DNA position 1186, A replaced by G.
Protein change: p.Ile396Val; replaces isoleucine 396 with valine.
Molecular consequence: missense variant.
Genome position (GRCh38, 1-based): chr8:117,830,328, T>C on the plus strand (A>G on the coding strand, the complement: EXT1 is on the minus strand). VCF-style: chr8-117830328-T-C. GRCh37 (hg19) VCF-style: chr8-118842567-T-C.
Other names: short protein forms I396V.
Identifiers: ClinVar variation 2186156 (VCV002186156.4), dbSNP rs749048200, ClinGen allele CA4854205.
Genomic context (GRCh38, chr8:117,830,328, plus strand): 5'-AATAAGCCTCCCACAAGAATTGTGTCTGCTGTCTAAGTGCTAGGATTTTATCCTGATGAA[T>C]AGACCTGATTGTAGAAGGAATCTGTAACACAAGGTGAACACATAGGAATTATAACTGTAA-3'
Protein context (NP_000118.2, residues 386-406): LLQIPSTIRS[Ile396Val]HQDKILALRQ

ClinVar aggregate classification (germline): Uncertain significance (1 of 4 stars; one submission).

Conditions:
Multiple congenital exostosis (EXT). Also called: Multiple osteochondromas; Hereditary multiple osteochondromas; Hereditary multiple exostoses; Hereditary multiple exostosis; MULTIPLE CARTILAGINOUS EXOSTOSES; Multiple exostoses. Identifiers: Orphanet 321, MedGen C0015306, MONDO:0005508, HP:0002762.

gnomAD v4.1: 2 of 1,614,102 alleles (0.00012%); highest among the groups gnomAD compares: Non-Finnish European, 0.000085%; no homozygotes.

Submission:

Labcorp Genetics (formerly Invitae), Labcorp
Classification: Uncertain significance for Multiple congenital exostosis. Last evaluated: 2022-05-07. Review status: criteria provided, single submitter. Criteria: Invitae Variant Classification Sherloc (09022015). Collection method: clinical testing. Allele origin: germline.
Comment: This sequence change replaces isoleucine, which is neutral and non-polar, with valine, which is neutral and non-polar, at codon 396 of the EXT1 protein (p.Ile396Val). In summary, the available evidence is currently insufficient to determine the role of this variant in disease. Therefore, it has been classified as a Variant of Uncertain Significance. Advanced modeling of protein sequence and biophysical properties (such as structural, functional, and spatial information, amino acid conservation, physicochemical variation, residue mobility, and thermodynamic stability) performed at Invitae indicates that this missense variant is not expected to disrupt EXT1 protein function. This variant has not been reported in the literature in individuals affected with EXT1-related conditions. This variant is present in population databases (rs749048200, gnomAD 0.0009%).